The following is an entry in ClinVar:

NM_052876.4(NACC1):c.1270A>G (p.Thr424Ala)

Gene: NACC1 (nucleus accumbens associated 1; plus strand). Cytogenetic location: 19p13.13.
Variant type: single nucleotide variant.
Coding change: c.1270A>G on transcript NM_052876.4 (MANE Select); coding-DNA position 1270, A replaced by G.
Protein change: p.Thr424Ala; replaces threonine 424 with alanine.
Molecular consequence: missense variant.
Genome position (GRCh38, 1-based): chr19:13,137,521, A>G. VCF-style: chr19-13137521-A-G. GRCh37 (hg19) VCF-style: chr19-13248335-A-G.
Other names: short protein forms T424A.
Identifiers: ClinVar variation 3345537 (VCV003345537.1).

ClinVar aggregate classification (germline): Uncertain significance (0 of 4 stars; one submission).

Conditions:
NACC1-related disorder. Also called: NACC1-related condition.

Submission:

PreventionGenetics, part of Exact Sciences
Classification: Uncertain significance for NACC1-related condition. Last evaluated: 2024-07-30. Review status: no assertion criteria provided. Collection method: clinical testing. Allele origin: germline.
Comment: The NACC1 c.1270A>G variant is predicted to result in the amino acid substitution p.Thr424Ala. To our knowledge, this variant has not been reported in the literature or in a large population database, indicating this variant is rare. At this time, the clinical significance of this variant is uncertain due to the absence of conclusive functional and genetic evidence.